The following is an entry in ClinVar:

NM_177438.3(DICER1):c.4206+2dup

Gene: DICER1 (dicer 1, ribonuclease III; minus strand). Cytogenetic location: 14q32.13.
Variant type: Duplication.
Coding change: c.4206+2dup on transcript NM_177438.3 (MANE Select); the canonical splice donor site of the intron after coding-DNA position 4206, one base duplicated (T; older notation c.4206+2dupT).
Molecular consequence: splice donor variant.
Genome position (GRCh38, 1-based): chr14:95,099,778, A duplicated on the plus strand (T on the coding strand, the reverse complement: DICER1 is on the minus strand). VCF-style (leftmost placement, unchanged base first): chr14-95099777-T-TA. GRCh37 (hg19) VCF-style: chr14-95566114-T-TA.
Other names: c.4206+2dup (NM_001291628.2, NM_030621.4, NM_001395677.1 and 12 more transcripts); c.3801+2dup (NM_001395690.1, NM_001395687.1, NM_001395689.1 and 2 more transcripts); c.3924+2dup (NM_001395686.1); c.3639+2dup (NM_001395691.1); c.2523+2dup (NM_001395697.1).
Identifiers: ClinVar variation 5035293 (VCV005035293.1).

ClinVar aggregate classification (germline): Likely pathogenic (1 of 4 stars; one submission).

Conditions:
Hereditary cancer-predisposing syndrome. Also called: Hereditary Cancer Syndrome; Neoplastic Syndromes, Hereditary; Tumor predisposition; Hereditary neoplastic syndrome. Identifiers: Orphanet 140162, MedGen C0027672, MeSH D009386, MONDO:0015356.

Submission:

Ambry Genetics
Classification: Likely pathogenic for Hereditary cancer-predisposing syndrome. Last evaluated: 2026-07-15. Review status: criteria provided, single submitter. Criteria: Ambry Variant Classification Scheme 2023. Collection method: clinical testing. Allele origin: germline.
Comment: The c.4206+2dupT intronic variant, results from a duplication of two nucleotides at nucleotide position 4206 after intron 21 of the DICER1 gene. Variants that disrupt the canonical splice site are expected to result in aberrant splicing. In silico splice site analysis predicts that this alteration will weaken the native splice donor site. A resulting transcript is predicted to be in-frame and is not expected to trigger nonsense-mediated mRNAdecay; although, direct evidence is unavailable. This nucleotide position is highly conserved in available vertebrate species. This variant was identified in one or more individuals with features consistent with DICER1-related tumor predisposition (Golmard L. et al. J Med Genet 2022 Apr;59(4):346-350; Ambry internal data) and segregated with disease in at least one family (Golmard L. et al. J Med Genet 2022 Apr;59(4):346-350). At least one individual with this variant was found to have a somatic second hit in a recognized DICER1 hotspot codon on tumor sequencing (Golmard L. et al. J Med Genet 2022 Apr;59(4):346-350; Ambry internal data). Based on the majority of available evidence to date, this variant is likely to be pathogenic.